The following is an entry in ClinVar:

ClinVar aggregate classification (germline): Likely benign (1 of 4 stars; one submission).

gnomAD v4.1: 2,443 of 1,613,956 alleles (0.15%); highest among the groups gnomAD compares: South Asian, 0.38%; 3 homozygotes.

Submission:

CeGaT Center for Human Genetics Tuebingen
Classification: Likely benign. Last evaluated: 2025-09-01. Review status: criteria provided, single submitter. Criteria: CeGaT Center For Human Genetics Tuebingen Variant Classification Criteria Version 2. Collection method: clinical testing. Allele origin: germline. Affected: yes. Observed: 1 variant allele.
Comment: NSRP1: BP4, BP7

NM_032141.4(NSRP1):c.768G>A (p.Ala256=)

Gene: NSRP1 (nuclear speckle splicing regulatory protein 1; plus strand). Cytogenetic location: 17q11.2.
Variant type: single nucleotide variant.
Coding change: c.768G>A on transcript NM_032141.4 (MANE Select); coding-DNA position 768, G replaced by A.
Protein change: p.Ala256=; no amino-acid change (alanine 256 retained).
Molecular consequence: synonymous variant.
Genome position (GRCh38, 1-based): chr17:30,184,765, G>A. VCF-style: chr17-30184765-G-A. GRCh37 (hg19) VCF-style: chr17-28511783-G-A.
Other names: c.606G>A, p.Ala202= (NM_001261467.2).
Identifiers: ClinVar variation 4280777 (VCV004280777.7).